The following is an entry in ClinVar:

NM_020822.3(KCNT1):c.2389G>A (p.Gly797Arg)

Gene: KCNT1 (potassium sodium-activated channel subfamily T member 1; plus strand). Cytogenetic location: 9q34.3.
Variant type: single nucleotide variant.
Coding change: c.2389G>A on transcript NM_020822.3 (MANE Select); coding-DNA position 2389, G replaced by A.
Protein change: p.Gly797Arg; replaces glycine 797 with arginine.
Molecular consequence: missense variant.
Genome position (GRCh38, 1-based): chr9:135,777,377, G>A. VCF-style: chr9-135777377-G-A. GRCh37 (hg19) VCF-style: chr9-138669223-G-A.
Other names: c.2254G>A, p.Gly752Arg (NM_001272003.2); short protein forms G752R, G797R.
Identifiers: ClinVar variation 1006187 (VCV001006187.9), dbSNP rs1233102018, ClinGen allele CA375513223.

ClinVar aggregate classification (germline): Uncertain significance (1 of 4 stars; one submission).

Conditions:
Autosomal dominant nocturnal frontal lobe epilepsy 5. Also called: KCNT1-Related Epilepsy; CILIARY DYSKINESIA, PRIMARY, 28, WITHOUT SITUS INVERSUS; CILIARY DYSKINESIA, PRIMARY, 28, WITH SITUS INVERSUS; Epilepsy, nocturnal frontal lobe, 5. Identifiers: Orphanet 98784, MedGen C3554306, MONDO:0014002, OMIM 615005.
Developmental and epileptic encephalopathy, 14 (DEE14). Also called: Early infantile epileptic encephalopathy 14. Identifiers: Orphanet 293181, MedGen C3554195, MONDO:0013989, OMIM 614959.

gnomAD v4.1: 5 of 1,614,070 alleles (0.00031%); highest among the groups gnomAD compares: Non-Finnish European, 0.00042%; no homozygotes.

Submission:

Labcorp Genetics (formerly Invitae), Labcorp
Classification: Uncertain significance for Autosomal dominant nocturnal frontal lobe epilepsy 5; Developmental and epileptic encephalopathy, 14. Last evaluated: 2026-01-19. Review status: criteria provided, single submitter. Criteria: Invitae Variant Classification Sherloc (09022015). Collection method: clinical testing. Allele origin: germline.
Comment: This sequence change replaces glycine, which is neutral and non-polar, with arginine, which is basic and polar, at codon 797 of the KCNT1 protein (p.Gly797Arg). This variant is not present in population databases (gnomAD no frequency). This variant has not been reported in the literature in individuals affected with KCNT1-related conditions. ClinVar contains an entry for this variant (Variation ID: 1006187). Invitae Evidence Modeling of protein sequence and biophysical properties (such as structural, functional, and spatial information, amino acid conservation, physicochemical variation, residue mobility, and thermodynamic stability) indicates that this missense variant is not expected to disrupt KCNT1 protein function with a negative predictive value of 80%. In summary, the available evidence is currently insufficient to determine the role of this variant in disease. Therefore, it has been classified as a Variant of Uncertain Significance.